The following is an entry in ClinVar:

NM_024426.6(WT1):c.1161A>G (p.Ala387=)

Gene: WT1 (WT1 transcription factor; minus strand). Cytogenetic location: 11p13.
Variant type: single nucleotide variant.
Coding change: c.1161A>G on transcript NM_024426.6 (MANE Select); coding-DNA position 1161, A replaced by G.
Protein change: p.Ala387=; no amino-acid change (alanine 387 retained).
Molecular consequence: synonymous variant. On other transcripts: 5 prime UTR variant (1), non-coding transcript variant (2).
Genome position (GRCh38, 1-based): chr11:32,396,360, T>C on the plus strand (A>G on the coding strand, the complement: WT1 is on the minus strand). VCF-style: chr11-32396360-T-C. GRCh37 (hg19) VCF-style: chr11-32417906-T-C.
Other names: c.1110A>G, p.Ala370= (NM_000378.6, NM_001407045.1, NM_001407048.1 and 1 more transcripts); c.510A>G, p.Ala170= (NM_001198551.2); c.459A>G, p.Ala153= (NM_001198552.2); c.-28A>G (NM_001367854.1); c.1155A>G, p.Ala385= (NM_001407044.1); c.1161A>G, p.Ala387= (NM_001407046.1, NM_024424.5); c.1038A>G, p.Ala346= (NM_001407047.1); c.987A>G, p.Ala329= (NM_001407050.1); and 2 more.
Identifiers: ClinVar variation 476680 (VCV000476680.19), dbSNP rs141834493, ClinGen allele CA064335.
Genomic context (GRCh38, chr11:32,396,360, plus strand): 5'-ATATCTCTTATTGCAGCCTGGGTAAGCACACATGAAGGGGCGTTTCTCACTGGTCTCAGA[T>C]GCCGACCGTACAAGAGTCGGGGCTACTCCAGGCACACGTCGCACATCCTGCAGGCAGAGA-3'
Protein context (NP_077744.4, residues 377-397): PGVAPTLVRS[Ala387=]SETSEKRPFM

ClinVar aggregate classification (germline): Benign/Likely benign. Review status: criteria provided, multiple submitters, no conflicts (2 of 4 stars). 6 submissions from 6 submitters: Benign (2); Likely benign (3). 1 of the submissions does not count toward it. Last evaluated 2025-12-28.

Conditions:
11p partial monosomy syndrome (WAGR). Also called: WAGR Spectrum Disorder; WAGR syndrome; CHROMOSOME 11p13 DELETION SYNDROME; WAGR Complex. Identifiers: Orphanet 893, MedGen C0206115, MONDO:0008681, OMIM 194072.
Frasier syndrome. Identifiers: Orphanet 347, MedGen C0950122, MeSH D052159, MONDO:0007635, OMIM 136680.
Drash syndrome (DDS). Also called: NEPHROPATHY, WILMS TUMOR, AND GENITAL ANOMALIES; WILMS TUMOR AND PSEUDO- OR TRUE HERMAPHRODITISM. Identifiers: Orphanet 220, MedGen C0950121, MONDO:0008682, OMIM 194080.
Wilms tumor 1 (WT1). Also called: Wilms tumor, somatic. Identifiers: Orphanet 654, MedGen CN033288, MONDO:0008679, OMIM 194070.
WT1-related disorder. Also called: WT1-related disorders. Identifiers: MedGen CN377814.
Inborn genetic diseases. Identifiers: MedGen C0950123, MeSH D030342.
Nephrotic syndrome, type 4 (NPHS4). Also called: Familial mesangial sclerosis; Nephrotic syndrome, early onset with diffuse mesangial sclerosis. Identifiers: Orphanet 656, MedGen C3151568, MONDO:0009733, OMIM 256370.
Aniridia 1 (AN1). Identifiers: Orphanet 250923, MedGen C0344542, MONDO:0024507, OMIM 106210.
Meacham syndrome. Also called: Meacham Winn Culler syndrome. Identifiers: Orphanet 3097, MedGen C1837026, MONDO:0012164, OMIM 608978.
Mesothelioma, malignant (MESOM). Also called: Malignant mesothelioma (disease). Identifiers: Orphanet 50251, MedGen C0345967, MONDO:0006292, OMIM 156240, HP:0100001.

Allele frequency attached by ClinVar (database versions not stated): ExAC 0.00012; gnomAD exomes 0.00013; 1000 Genomes Project 30x 0.00016; 1000 Genomes Project 0.00020; ESP Exome Variant Server 0.00023; TOPMed 0.00044; gnomAD 0.00047 and 0.00051.
gnomAD v4.1: 124 of 1,614,206 alleles (0.0077%); highest among the groups gnomAD compares: African/African-American, 0.16%; no homozygotes.

Submissions (6):

Labcorp Genetics (formerly Invitae), Labcorp
Classification: Benign for Wilms tumor 1; Drash syndrome; 11p partial monosomy syndrome; Frasier syndrome. Last evaluated: 2025-12-28. Review status: criteria provided, single submitter. Criteria: Invitae Variant Classification Sherloc (09022015). Collection method: clinical testing. Allele origin: germline.

Ambry Genetics
Classification: Likely benign for Inborn genetic diseases. Last evaluated: 2024-08-21. Review status: criteria provided, single submitter. Criteria: Ambry Variant Classification Scheme 2023. Collection method: clinical testing. Allele origin: germline.

Blueprint Genetics
Classification: Likely benign. Last evaluated: 2022-11-21. Review status: criteria provided, single submitter. Criteria: ACMG Guidelines, 2015. Collection method: clinical testing. Allele origin: germline.

Color Diagnostics, LLC DBA Color Health
Classification: Benign for Wilms tumor 1. Last evaluated: 2022-11-17. Review status: criteria provided, single submitter. Criteria: ACMG Guidelines, 2015. Collection method: clinical testing. Allele origin: germline.

Fulgent Genetics
Classification: Likely benign for Aniridia 1; Frasier syndrome; Mesothelioma, malignant; Wilms tumor 1; 11p partial monosomy syndrome; Drash syndrome; Nephrotic syndrome, type 4; Meacham syndrome. Last evaluated: 2021-11-15. Review status: criteria provided, single submitter. Criteria: ACMG Guidelines, 2015. Collection method: clinical testing. Allele origin: unknown.

PreventionGenetics, part of Exact Sciences
Classification: Likely benign for WT1-related condition. Last evaluated: 2019-05-14. Review status: no assertion criteria provided. Collection method: clinical testing. Allele origin: germline. Not counted in ClinVar's aggregate classification.
Comment: This variant is classified as likely benign based on ACMG/AMP sequence variant interpretation guidelines (Richards et al. 2015 PMID: 25741868, with internal and published modifications).